The following is an entry in ClinVar:

NM_002047.4(GARS1):c.2153A>G (p.Asp718Gly)

Gene: GARS1 (glycyl-tRNA synthetase 1; plus strand). Cytogenetic location: 7p14.3.
Variant type: single nucleotide variant.
Coding change: c.2153A>G on transcript NM_002047.4 (MANE Select); coding-DNA position 2153, A replaced by G.
Protein change: p.Asp718Gly; replaces aspartic acid 718 with glycine.
Molecular consequence: missense variant.
Genome position (GRCh38, 1-based): chr7:30,633,793, A>G. VCF-style: chr7-30633793-A-G. GRCh37 (hg19) VCF-style: chr7-30673409-A-G.
Other names: c.1991A>G, p.Asp664Gly (NM_001316772.1); short protein forms D664G, D718G.
Identifiers: ClinVar variation 3699678 (VCV003699678.2).

ClinVar aggregate classification (germline): Uncertain significance (1 of 4 stars; one submission).

Conditions:
Charcot-Marie-Tooth disease type 2. Also called: Charcot-Marie-Tooth type 2. Identifiers: Orphanet 64746, MedGen C0270914, MONDO:0018993.

gnomAD v4.1: 2 of 1,576,164 alleles (0.00013%); highest among the groups gnomAD compares: African/African-American, 0.0014%; no homozygotes.

Submission:

Labcorp Genetics (formerly Invitae), Labcorp
Classification: Uncertain significance for Charcot-Marie-Tooth disease type 2. Last evaluated: 2026-01-05. Review status: criteria provided, single submitter. Criteria: Invitae Variant Classification Sherloc (09022015). Collection method: clinical testing. Allele origin: germline.
Comment: This sequence change replaces aspartic acid, which is acidic and polar, with glycine, which is neutral and non-polar, at codon 718 of the GARS protein (p.Asp718Gly). This variant is not present in population databases (gnomAD no frequency). This variant has not been reported in the literature in individuals affected with GARS-related conditions. ClinVar contains an entry for this variant (Variation ID: 3699678). Invitae Evidence Modeling of protein sequence and biophysical properties (such as structural, functional, and spatial information, amino acid conservation, physicochemical variation, residue mobility, and thermodynamic stability) indicates that this missense variant is not expected to disrupt GARS protein function with a negative predictive value of 80%. In summary, the available evidence is currently insufficient to determine the role of this variant in disease. Therefore, it has been classified as a Variant of Uncertain Significance.